The following is an entry in ClinVar:

ClinVar aggregate classification (germline): Uncertain significance. Review status: criteria provided, multiple submitters, no conflicts (2 of 4 stars). 3 submissions from 3 submitters: Uncertain significance (3). Last evaluated 2025-07-30.

Conditions:
Hereditary cancer-predisposing syndrome. Also called: Hereditary neoplastic syndrome; Tumor predisposition; Neoplastic Syndromes, Hereditary; Hereditary Cancer Syndrome. Identifiers: Orphanet 140162, MedGen C0027672, MeSH D009386, MONDO:0015356.
Familial cancer of breast. Also called: Hereditary breast cancer; BREAST CANCER, FAMILIAL; hereditary breast carcinoma. Identifiers: Orphanet 227535, MedGen C0346153, MONDO:0016419, OMIM 114480. Disease mechanism: loss of function.

Submissions (3):

Labcorp Genetics (formerly Invitae), Labcorp
Classification: Uncertain significance for Familial cancer of breast. Last evaluated: 2025-07-30. Review status: criteria provided, single submitter. Criteria: Invitae Variant Classification Sherloc (09022015). Collection method: clinical testing. Allele origin: germline.
Comment: This sequence change replaces arginine, which is basic and polar, with glycine, which is neutral and non-polar, at codon 705 of the BARD1 protein (p.Arg705Gly). This variant is not present in population databases (gnomAD no frequency). This variant has not been reported in the literature in individuals affected with BARD1-related conditions. ClinVar contains an entry for this variant (Variation ID: 421245). An algorithm developed to predict the effect of missense changes on protein structure and function (PolyPhen-2) suggests that this variant is likely to be disruptive. In summary, the available evidence is currently insufficient to determine the role of this variant in disease. Therefore, it has been classified as a Variant of Uncertain Significance.

Ambry Genetics
Classification: Uncertain significance for Hereditary cancer-predisposing syndrome. Last evaluated: 2024-12-09. Review status: criteria provided, single submitter. Criteria: Ambry Variant Classification Scheme 2023. Collection method: clinical testing. Allele origin: germline.
Comment: The p.R705G variant (also known as c.2113A>G), located in coding exon 11 of the BARD1 gene, results from an A to G substitution at nucleotide position 2113. The arginine at codon 705 is replaced by glycine, an amino acid with dissimilar properties. This amino acid position is highly conserved in available vertebrate species. In addition, this alteration is predicted to be deleterious by in silico analysis. Based on the available evidence, the clinical significance of this variant remains unclear.

GeneDx
Classification: Uncertain significance. Last evaluated: 2017-01-30. Review status: criteria provided, single submitter. Criteria: GeneDx Variant Classification (06012015). Collection method: clinical testing. Allele origin: germline. Affected: yes.
Comment: This variant is denoted BARD1 c.2113A>G at the cDNA level, p.Arg705Gly (R705G) at the protein level, and results in the change of an Arginine to a Glycine (AGA>GGA). This variant has not, to our knowledge, been published in the literature as pathogenic or benign. BARD1 Arg705Gly was not observed in approximately 6,500 individuals of European and African American ancestry in the NHLBI Exome Sequencing Project, suggesting it is not a common benign variant in these populations. Since Arginine and Glycine differ in polarity, charge, size or other properties, this is considered a non-conservative amino acid substitution. BARD1 Arg705Gly occurs at a position that is conserved across species and is located within the BRCT2 domain (UniProt). In silico analyses predict that this variant is probably damaging to protein structure and function. Based on currently available evidence, it is unclear whether BARD1 Arg705Gly is a pathogenic or benign variant. We consider it to be a variant of uncertain significance.

NM_000465.4(BARD1):c.2113A>G (p.Arg705Gly)

Gene: BARD1 (BRCA1 associated RING domain 1; minus strand). Cytogenetic location: 2q35.
Variant type: single nucleotide variant.
Coding change: c.2113A>G on transcript NM_000465.4 (MANE Select); coding-DNA position 2113, A replaced by G.
Protein change: p.Arg705Gly; replaces arginine 705 with glycine.
Molecular consequence: missense variant. On other transcripts: non-coding transcript variant (3).
Genome position (GRCh38, 1-based): chr2:214,728,897, T>C on the plus strand (A>G on the coding strand, the complement: BARD1 is on the minus strand). VCF-style: chr2-214728897-T-C. GRCh37 (hg19) VCF-style: chr2-215593621-T-C.
Other names: c.2056A>G, p.Arg686Gly (NM_001282543.2); c.760A>G, p.Arg254Gly (NM_001282545.2); c.703A>G, p.Arg235Gly (NM_001282548.2); c.574A>G, p.Arg192Gly (NM_001282549.2); short protein forms R705G, R235G, R192G, R254G, R686G.
Identifiers: ClinVar variation 421245 (VCV000421245.10), dbSNP rs1064795005, ClinGen allele CA16617426.